The following is an entry in ClinVar:

ClinVar aggregate classification (germline): Pathogenic. Review status: criteria provided, multiple submitters, no conflicts (2 of 4 stars). 2 submissions from 2 submitters: Pathogenic (2). Last evaluated 2025-03-21.

Conditions:
Rare genetic deafness. Identifiers: Orphanet 96210, MedGen C5680250.

Submissions (2):

GeneDx
Classification: Pathogenic. Last evaluated: 2025-03-21. Review status: criteria provided, single submitter. Criteria: GeneDx Variant Classification Process June 2021. Collection method: clinical testing. Allele origin: germline. Affected: yes.
Comment: Frameshift variant predicted to result in protein truncation or nonsense mediated decay in a gene for which loss of function is a known mechanism of disease; Not observed at significant frequency in large population cohorts (gnomAD); Has not been previously published as pathogenic or benign to our knowledge

Laboratory for Molecular Medicine, Mass General Brigham Personalized Medicine
Classification: Pathogenic for Rare genetic deafness. Last evaluated: 2016-05-01. Review status: criteria provided, single submitter. Criteria: LMM Criteria. Collection method: clinical testing. Allele origin: germline. Inheritance: Autosomal recessive inheritance. Observed: 2 variant alleles.
Comment: This variant was absent from large population studies, tho ugh the ability of these studies to accurately detect indels may be limited. The p.Val200fs variant is predicted to cause a frameshift, which alters the protein ?s amino acid sequence beginning at position 200 and leads to a premature termin ation codon 6 amino acids downstream. This alteration is then predicted to lead to a truncated or absent protein. Loss of function (LoF) variants in the GRXCR1 have been reported in individuals with hearing loss, and a mouse model study sup ports LoF as a disease mechanism (Odeh 2010). In summary, the p.Val200fs variant meets our criteria to be classified as pathogenic for hearing loss in an autoso mal recessive manner based on the predicted impact of the variant.

Literature cited by the submitters: PubMed 20137774 (cited by Laboratory for Molecular Medicine, Mass General Brigham Personalized Medicine).

NM_001080476.3(GRXCR1):c.594_597dup (p.Val200fs)

Gene: GRXCR1 (glutaredoxin and cysteine rich domain containing 1; plus strand). Cytogenetic location: 4p13.
Variant type: Microsatellite.
Coding change: c.594_597dup on transcript NM_001080476.3 (MANE Select); coding-DNA positions 594 to 597, 4 bases duplicated (CCCT; older notation c.594_597dupCCCT).
Protein change: p.Val200fs; shifts the reading frame from valine 200.
Molecular consequence: frameshift variant.
Genome position (GRCh38, 1-based): chr4:42,963,101-42,963,104, CCCT duplicated; duplicating any 4 consecutive bases within chr4:42,963,096-42,963,104 gives the same sequence; the c. name uses the placement nearest the transcript's 3' end. VCF-style (leftmost placement, unchanged base first): chr4-42963095-T-TTCCC. GRCh37 (hg19) VCF-style: chr4-42965112-T-TTCCC.
Other names: p.Val200ProfsX6; c.594_597dup (NM_001080476.2); short protein forms V200fs.
Identifiers: ClinVar variation 504921 (VCV000504921.5), dbSNP rs1553941938, ClinGen allele CA658796427.
Genomic context (GRCh38, chr4:42,963,095, plus strand): 5'-CCTGAATGGTGAATATGGAAAAGAGTTAGACGAACGATGCCGACGAGTTTCTGAAGCTCC[T>TTCCC]TCCCTCCCTGTTGTGTTCATTGATGGCCATTACCTTGGGGTAAGTAAGCTGCCCAGGAAA-3'